The following is an entry in ClinVar:

NM_012062.5(DNM1L):c.2062G>T (p.Gly688Cys)

Gene: DNM1L (dynamin 1L; plus strand). Cytogenetic location: 12p11.21.
Variant type: single nucleotide variant.
Coding change: c.2062G>T on transcript NM_012062.5 (MANE Select); coding-DNA position 2062, G replaced by T.
Protein change: p.Gly688Cys; replaces glycine 688 with cysteine.
Molecular consequence: missense variant.
Genome position (GRCh38, 1-based): chr12:32,742,656, G>T. VCF-style: chr12-32742656-G-T. GRCh37 (hg19) VCF-style: chr12-32895590-G-T.
Other names: c.2029G>T, p.Gly677Cys (NM_001278463.2); c.2101G>T, p.Gly701Cys (NM_001278464.2); c.2068G>T, p.Gly690Cys (NM_001278465.2); c.1453G>T, p.Gly485Cys (NM_001278466.2); c.1990G>T, p.Gly664Cys (NM_001330380.2); c.1951G>T, p.Gly651Cys (NM_005690.5); c.1984G>T, p.Gly662Cys (NM_012063.4); short protein forms G688C, G690C, G651C, G662C, G664C, G701C, G485C, G677C.
Identifiers: ClinVar variation 3729186 (VCV003729186.3).

ClinVar aggregate classification (germline): Uncertain significance. Review status: criteria provided, multiple submitters, no conflicts (2 of 4 stars). 2 submissions from 2 submitters: Uncertain significance (2). Last evaluated 2025-01-19.

Submissions (2):

Labcorp Genetics (formerly Invitae), Labcorp
Classification: Uncertain significance. Last evaluated: 2025-01-19. Review status: criteria provided, single submitter. Criteria: Invitae Variant Classification Sherloc (09022015). Collection method: clinical testing. Allele origin: germline.
Comment: This sequence change replaces glycine, which is neutral and non-polar, with cysteine, which is neutral and slightly polar, at codon 688 of the DNM1L protein (p.Gly688Cys). This variant is not present in population databases (gnomAD no frequency). This variant has not been reported in the literature in individuals affected with DNM1L-related conditions. An algorithm developed to predict the effect of missense changes on protein structure and function (PolyPhen-2) suggests that this variant is likely to be disruptive. In summary, the available evidence is currently insufficient to determine the role of this variant in disease. Therefore, it has been classified as a Variant of Uncertain Significance.

Blueprint Genetics
Classification: Uncertain significance. Last evaluated: 2022-09-30. Review status: criteria provided, single submitter. Criteria: ACMG Guidelines, 2015. Collection method: clinical testing. Allele origin: germline.